The following is an entry in ClinVar:

NM_005732.4(RAD50):c.1035A>C (p.Glu345Asp)

Gene: RAD50 (RAD50 double strand break repair protein; plus strand). Cytogenetic location: 5q31.1.
Variant type: single nucleotide variant.
Coding change: c.1035A>C on transcript NM_005732.4 (MANE Select); coding-DNA position 1035, A replaced by C.
Protein change: p.Glu345Asp; replaces glutamic acid 345 with aspartic acid.
Molecular consequence: missense variant.
Genome position (GRCh38, 1-based): chr5:132,588,073, A>C. VCF-style: chr5-132588073-A-C. GRCh37 (hg19) VCF-style: chr5-131923765-A-C.
Other names: short protein forms E345D.
Identifiers: ClinVar variation 835983 (VCV000835983.9), dbSNP rs1750628666, ClinGen allele CA360941644.

ClinVar aggregate classification (germline): Uncertain significance. Review status: criteria provided, multiple submitters, no conflicts (2 of 4 stars). 2 submissions from 2 submitters: Uncertain significance (2). Last evaluated 2025-08-04.

Conditions:
Hereditary cancer-predisposing syndrome. Also called: Hereditary neoplastic syndrome; Neoplastic Syndromes, Hereditary; Tumor predisposition; Hereditary Cancer Syndrome. Identifiers: Orphanet 140162, MedGen C0027672, MeSH D009386, MONDO:0015356.

Submissions (2):

Labcorp Genetics (formerly Invitae), Labcorp
Classification: Uncertain significance for Hereditary cancer-predisposing syndrome. Last evaluated: 2025-08-04. Review status: criteria provided, single submitter. Criteria: Invitae Variant Classification Sherloc (09022015). Collection method: clinical testing. Allele origin: germline.
Comment: This sequence change replaces glutamic acid, which is acidic and polar, with aspartic acid, which is acidic and polar, at codon 345 of the RAD50 protein (p.Glu345Asp). This variant is not present in population databases (gnomAD no frequency). This variant has not been reported in the literature in individuals affected with RAD50-related conditions. ClinVar contains an entry for this variant (Variation ID: 835983). Invitae Evidence Modeling of protein sequence and biophysical properties (such as structural, functional, and spatial information, amino acid conservation, physicochemical variation, residue mobility, and thermodynamic stability) indicates that this missense variant is not expected to disrupt RAD50 protein function with a negative predictive value of 80%. In summary, the available evidence is currently insufficient to determine the role of this variant in disease. Therefore, it has been classified as a Variant of Uncertain Significance.

Ambry Genetics
Classification: Uncertain significance for Hereditary cancer-predisposing syndrome. Last evaluated: 2023-09-10. Review status: criteria provided, single submitter. Criteria: Ambry Variant Classification Scheme 2023. Collection method: clinical testing. Allele origin: germline.
Comment: The p.E345D variant (also known as c.1035A>C), located in coding exon 7 of the RAD50 gene, results from an A to C substitution at nucleotide position 1035. The glutamic acid at codon 345 is replaced by aspartic acid, an amino acid with highly similar properties. This amino acid position is conserved. In addition, this alteration is predicted to be tolerated by in silico analysis. Since supporting evidence is limited at this time, the clinical significance of this alteration remains unclear.